The following is an entry in ClinVar:

NM_024422.6(DSC2):c.1733C>T (p.Pro578Leu)

Gene: DSC2 (desmocollin 2; minus strand). Cytogenetic location: 18q12.1.
Variant type: single nucleotide variant.
Coding change: c.1733C>T on transcript NM_024422.6 (MANE Select); coding-DNA position 1733, C replaced by T.
Protein change: p.Pro578Leu; replaces proline 578 with leucine.
Molecular consequence: missense variant.
Genome position (GRCh38, 1-based): chr18:31,074,838, G>A on the plus strand (C>T on the coding strand, the complement: DSC2 is on the minus strand). VCF-style: chr18-31074838-G-A. GRCh37 (hg19) VCF-style: chr18-28654804-G-A.
Other names: c.1304C>T, p.Pro435Leu (NM_001406507.1, NM_001406506.1); c.1733C>T, p.Pro578Leu (NM_004949.5); c.1733C>T (NM_024422.3); short protein forms P435L, P578L.
Identifiers: ClinVar variation 3003314 (VCV003003314.4), dbSNP rs1986960859, ClinGen allele CA402114235.
Genomic context (GRCh38, chr18:31,074,838, plus strand): 5'-TCAACCGCAACAATCTCCGCAGATGACATGGTGGGTTTGCAGATGATCACTGTCTTTTTA[G>A]GTATGAATGGGCTGTTATCATTCACGTCTTGAAGTATAATGCCCAGTGTCCCCGTACATG-3'
Protein context (NP_077740.1, residues 568-588): QDVNDNSPFI[Pro578Leu]KKTVIICKPT

ClinVar aggregate classification (germline): Uncertain significance. Review status: criteria provided, multiple submitters, no conflicts (2 of 4 stars). 2 submissions from 2 submitters: Uncertain significance (2). Last evaluated 2025-12-21.

Conditions:
Cardiovascular phenotype. Identifiers: MedGen CN230736.
Arrhythmogenic right ventricular dysplasia 11. Also called: ARRHYTHMOGENIC RIGHT VENTRICULAR DYSPLASIA, FAMILIAL, 11; Arrhythmogenic Right Ventricular Dysplasia/Cardiomyopathy11; Arrhythmogenic right ventricular dysplasia 11 with mild palmoplantar keratoderma and woolly hair. Identifiers: MedGen C1864850, MONDO:0012506, OMIM 610476.

Allele frequency attached by ClinVar (database versions not stated): gnomAD 0.00001; gnomAD exomes below 0.00001; TOPMed below 0.00001.
gnomAD v4.1: 5 of 1,613,760 alleles (0.00031%); highest among the groups gnomAD compares: Admixed American, 0.0017%; no homozygotes.

Submissions (2):

Ambry Genetics
Classification: Uncertain significance for Cardiovascular phenotype. Last evaluated: 2025-12-21. Review status: criteria provided, single submitter. Criteria: Ambry Variant Classification Scheme 2023. Collection method: clinical testing. Allele origin: germline.
Comment: The p.P578L variant (also known as c.1733C>T), located in coding exon 12 of the DSC2 gene, results from a C to T substitution at nucleotide position 1733. The proline at codon 578 is replaced by leucine, an amino acid with similar properties. This amino acid position is conserved. In addition, this alteration is predicted to be tolerated by in silico analysis. Based on the available evidence, the clinical significance of this variant remains unclear.

Labcorp Genetics (formerly Invitae), Labcorp
Classification: Uncertain significance for Arrhythmogenic right ventricular dysplasia 11. Last evaluated: 2025-08-01. Review status: criteria provided, single submitter. Criteria: Invitae Variant Classification Sherloc (09022015). Collection method: clinical testing. Allele origin: germline.
Comment: This sequence change replaces proline, which is neutral and non-polar, with leucine, which is neutral and non-polar, at codon 578 of the DSC2 protein (p.Pro578Leu). This variant is not present in population databases (gnomAD no frequency). This variant has not been reported in the literature in individuals affected with DSC2-related conditions. ClinVar contains an entry for this variant (Variation ID: 3003314). Invitae Evidence Modeling of protein sequence and biophysical properties (such as structural, functional, and spatial information, amino acid conservation, physicochemical variation, residue mobility, and thermodynamic stability) indicates that this missense variant is not expected to disrupt DSC2 protein function with a negative predictive value of 80%. In summary, the available evidence is currently insufficient to determine the role of this variant in disease. Therefore, it has been classified as a Variant of Uncertain Significance.